The following is an entry in ClinVar:

ClinVar aggregate classification (germline): Pathogenic (1 of 4 stars; one submission).

Conditions:
CHARGE syndrome (CHARGE). Also called: Coloboma, heart anomaly, choanal atresia, retardation, genital and ear anomalies; CHARGE association; Hall-Hittner syndrome; Hittner Hirsch Kreh syndrome; CHARGE ASSOCIATION--COLOBOMA, HEART ANOMALY, CHOANAL ATRESIA, RETARDATION, GENITAL AND EAR ANOMALIES. Identifiers: Orphanet 138, MedGen C0265354, MONDO:0008965.

Submission:

Labcorp Genetics (formerly Invitae), Labcorp
Classification: Pathogenic for CHARGE syndrome. Last evaluated: 2021-07-31. Review status: criteria provided, single submitter. Criteria: Invitae Variant Classification Sherloc (09022015). Collection method: clinical testing. Allele origin: germline.
Comment: For these reasons, this variant has been classified as Pathogenic. This variant disrupts a region of the CHD7 protein in which other variant(s) (p.Glu2935*) have been determined to be pathogenic (PMID: 22461308). This suggests that this is a clinically significant region of the protein, and that variants that disrupt it are likely to be disease-causing. This variant has not been reported in the literature in individuals affected with CHD7-related conditions. This variant is not present in population databases (ExAC no frequency). This sequence change creates a premature translational stop signal (p.Gly2787Alafs*12) in the CHD7 gene. While this is not anticipated to result in nonsense mediated decay, it is expected to disrupt the last 211 amino acid(s) of the CHD7 protein.

Literature cited by the submitters: PubMed 22461308.

NM_017780.4(CHD7):c.8360del (p.Gly2787fs)

Gene: CHD7 (chromodomain helicase DNA binding protein 7; plus strand). Cytogenetic location: 8q12.2.
Variant type: Deletion.
Coding change: c.8360del on transcript NM_017780.4 (MANE Select); coding-DNA position 8360, one base deleted (G; older notation c.8360delG).
Protein change: p.Gly2787fs; shifts the reading frame from glycine 2787.
Molecular consequence: frameshift variant.
Genome position (GRCh38, 1-based): chr8:60,865,299, G deleted; the last of 2 consecutive G bases (chr8:60,865,298-60,865,299); deleting either gives the same sequence. VCF-style (leftmost placement, unchanged base first): chr8-60865297-AG-A. GRCh37 (hg19) VCF-style: chr8-61777856-AG-A.
Other names: c.2213del, p.Gly738fs (NM_001316690.1); short protein forms G2787fs, G738fs.
Identifiers: ClinVar variation 1454010 (VCV001454010.6), dbSNP rs2129761877, ClinGen allele CA2573143276.